The following is an entry in ClinVar:

NM_007194.4(CHEK2):c.728_729del (p.Thr242_Cys243insTer)

Gene: CHEK2 (checkpoint kinase 2; minus strand). Cytogenetic location: 22q12.1.
Variant type: Deletion.
Coding change: c.728_729del on transcript NM_007194.4 (MANE Select); coding-DNA positions 728 to 729, 2 bases deleted (GT; older notation c.728_729delGT).
Protein change: p.Thr242_Cys243insTer.
Molecular consequence: nonsense. On other transcripts: frameshift variant (4).
Genome position (GRCh38, 1-based): chr22:28,711,972-28,711,973, AC deleted on the plus strand (GT on the coding strand, the reverse complement: CHEK2 is on the minus strand); deleting any 2 consecutive bases within chr22:28,711,972-28,711,974 gives the same sequence; the c. name uses the placement nearest the transcript's 3' end. VCF-style (leftmost placement, unchanged base first): chr22-28711971-TAC-T. GRCh37 (hg19) VCF-style: chr22-29107959-TAC-T.
Other names: c.856_857delTG, p.Cys286Terfs (NM_001005735.3); c.64_65delTG, p.Cys22Terfs (NM_001257387.3); c.526_527delTG, p.Cys176Terfs (NM_001349956.3); c.727_728delTG, p.Cys243Terfs (NM_145862.3).
Identifiers: ClinVar variation 2012755 (VCV002012755.4), dbSNP rs2517962038, ClinGen allele CA2580099688.

ClinVar aggregate classification (germline): Pathogenic (1 of 4 stars; one submission).

Conditions:
Familial cancer of breast. Also called: hereditary breast carcinoma; BREAST CANCER, FAMILIAL; Hereditary breast cancer. Identifiers: Orphanet 227535, MedGen C0346153, MONDO:0016419, OMIM 114480. Disease mechanism: loss of function.

Submission:

Labcorp Genetics (formerly Invitae), Labcorp
Classification: Pathogenic for Familial cancer of breast. Last evaluated: 2022-07-08. Review status: criteria provided, single submitter. Criteria: Invitae Variant Classification Sherloc (09022015). Collection method: clinical testing. Allele origin: germline.
Comment: For these reasons, this variant has been classified as Pathogenic. This variant has not been reported in the literature in individuals affected with CHEK2-related conditions. This variant is not present in population databases (gnomAD no frequency). This sequence change creates a premature translational stop signal (p.Cys243*) in the CHEK2 gene. It is expected to result in an absent or disrupted protein product. Loss-of-function variants in CHEK2 are known to be pathogenic (PMID: 21876083, 24713400).

Literature cited by the submitters: PubMed 21876083; PubMed 24713400.